The following is an entry in ClinVar:

ClinVar aggregate classification (germline): Benign (1 of 4 stars; one submission).

Allele frequency attached by ClinVar (database versions not stated): 1000 Genomes Project 0.41334; 1000 Genomes Project 30x 0.43020; gnomAD 0.50188 and 0.52194; TOPMed 0.51046.
gnomAD v4.1: 76,112 of 152,038 alleles (50%); highest among the groups gnomAD compares: African/African-American, 82%; 22,547 homozygotes.

Submission:

GeneDx
Classification: Benign. Last evaluated: 2018-06-19. Review status: criteria provided, single submitter. Criteria: GeneDx Variant Classification (06012015). Collection method: clinical testing. Allele origin: germline. Affected: yes.
Comment: This variant is considered likely benign or benign based on one or more of the following criteria: it is a conservative change, it occurs at a poorly conserved position in the protein, it is predicted to be benign by multiple in silico algorithms, and/or has population frequency not consistent with disease.

NM_000081.4(LYST):c.193-233G>A

Gene: LYST (lysosomal trafficking regulator; minus strand). Cytogenetic location: 1q42.3.
Variant type: single nucleotide variant.
Coding change: c.193-233G>A on transcript NM_000081.4 (MANE Select); 233 bases into the intron before coding-DNA position 193, G replaced by A.
Molecular consequence: intron variant.
Genome position (GRCh38, 1-based): chr1:235,813,294, C>T on the plus strand (G>A on the coding strand, the complement: LYST is on the minus strand). VCF-style: chr1-235813294-C-T. GRCh37 (hg19) VCF-style: chr1-235976594-C-T.
Other names: c.193-233G>A (NM_001301365.1).
Identifiers: ClinVar variation 684339 (VCV000684339.1), dbSNP rs7529320, ClinGen allele CA39618737.